The following is an entry in ClinVar:

NM_012254.3(SLC27A5):c.553G>A (p.Val185Ile)

Gene: SLC27A5 (solute carrier family 27 member 5; minus strand). Cytogenetic location: 19q13.43.
Variant type: single nucleotide variant.
Coding change: c.553G>A on transcript NM_012254.3 (MANE Select); coding-DNA position 553, G replaced by A.
Protein change: p.Val185Ile; replaces valine 185 with isoleucine.
Molecular consequence: missense variant. On other transcripts: intron variant (1).
Genome position (GRCh38, 1-based): chr19:58,511,403, C>T on the plus strand (G>A on the coding strand, the complement: SLC27A5 is on the minus strand). VCF-style: chr19-58511403-C-T. GRCh37 (hg19) VCF-style: chr19-59022770-C-T.
Other names: c.553G>A (NM_012254.2); c.436+117G>A (NM_001321196.2); short protein forms V185I.
Identifiers: ClinVar variation 596447 (VCV000596447.11), dbSNP rs757127359, ClinGen allele CA9718260.

ClinVar aggregate classification (germline): Conflicting classifications of pathogenicity. Review status: criteria provided, conflicting classifications (1 of 4 stars). 4 submissions from 4 submitters: Uncertain significance (2); Likely benign (2). Last evaluated 2025-04-15.

Conditions:
SLC27A5-related disorder. Also called: SLC27A5-related condition.

Allele frequency attached by ClinVar (database versions not stated): TOPMed 0.00005; gnomAD exomes 0.00006 and 0.00013; ExAC 0.00011.

Submissions (4):

PreventionGenetics, part of Exact Sciences
Classification: Likely benign for SLC27A5-related condition. Last evaluated: 2025-04-15. Review status: criteria provided, single submitter. Criteria: ACMG Guidelines, 2015. Collection method: clinical testing. Allele origin: germline.
Comment: This variant is classified as likely benign based on ACMG/AMP sequence variant interpretation guidelines (Richards et al. 2015 PMID: 25741868, with internal and published modifications).

Labcorp Genetics (formerly Invitae), Labcorp
Classification: Uncertain significance. Last evaluated: 2024-04-17. Review status: criteria provided, single submitter. Criteria: Invitae Variant Classification Sherloc (09022015). Collection method: clinical testing. Allele origin: germline.
Comment: This sequence change replaces valine, which is neutral and non-polar, with isoleucine, which is neutral and non-polar, at codon 185 of the SLC27A5 protein (p.Val185Ile). This variant is present in population databases (rs757127359, gnomAD 0.09%), and has an allele count higher than expected for a pathogenic variant. This variant has not been reported in the literature in individuals affected with SLC27A5-related conditions. ClinVar contains an entry for this variant (Variation ID: 596447). Algorithms developed to predict the effect of missense changes on protein structure and function output the following: SIFT: "Not Available"; PolyPhen-2: "Benign"; Align-GVGD: "Not Available". The isoleucine amino acid residue is found in multiple mammalian species, which suggests that this missense change does not adversely affect protein function. In summary, the available evidence is currently insufficient to determine the role of this variant in disease. Therefore, it has been classified as a Variant of Uncertain Significance.

Ambry Genetics
Classification: Likely benign. Last evaluated: 2022-08-02. Review status: criteria provided, single submitter. Criteria: Ambry Variant Classification Scheme 2023. Collection method: clinical testing. Allele origin: germline.

Eurofins Ntd Llc (ga)
Classification: Uncertain significance. Last evaluated: 2018-03-08. Review status: criteria provided, single submitter. Criteria: EGL ClinVar v180209 classification definitions. Collection method: clinical testing. Allele origin: germline. Observed: 1 variant allele, 1 heterozygote.